The following is an entry in ClinVar:

ClinVar aggregate classification (germline): Likely benign (0 of 4 stars; one submission).

Conditions:
EPPK1-related disorder. Also called: EPPK1-related condition.

Allele frequency attached by ClinVar (database versions not stated): ESP Exome Variant Server 0.00024; TOPMed 0.00038; gnomAD 0.00041.

Submission:

PreventionGenetics, part of Exact Sciences
Classification: Likely benign for EPPK1-related condition. Last evaluated: 2022-01-10. Review status: no assertion criteria provided. Collection method: clinical testing. Allele origin: germline.
Comment: This variant is classified as likely benign based on ACMG/AMP sequence variant interpretation guidelines (Richards et al. 2015 PMID: 25741868, with internal and published modifications).

NM_031308.4(EPPK1):c.5157G>A (p.Ala1719=)

Gene: EPPK1 (epiplakin 1; minus strand). Cytogenetic location: 8q24.3.
Variant type: single nucleotide variant.
Coding change: c.5157G>A on transcript NM_031308.4 (MANE Select); coding-DNA position 5157, G replaced by A.
Protein change: p.Ala1719=; no amino-acid change (alanine 1719 retained).
Molecular consequence: synonymous variant.
Genome position (GRCh38, 1-based): chr8:143,868,097, C>T on the plus strand (G>A on the coding strand, the complement: EPPK1 is on the minus strand). VCF-style: chr8-143868097-C-T. GRCh37 (hg19) VCF-style: chr8-144942265-C-T.
Identifiers: ClinVar variation 3048384 (VCV003048384.2), dbSNP rs375042978, ClinGen allele CA4922225.
Genomic context (GRCh38, chr8:143,868,097, plus strand): 5'-GTACGTGAGGTTCTCGTGCGTGTTGGGGTCGAAGAAGCCCTTGGTGTCGTCGCTGGGGTC[C>T]GCCAGGATGCGGTTCATCTCCTCGTCGAAGTAGCCGCAGCGGTAGGCCACGTCCACGGGC-3'
Protein context (NP_112598.3, residues 1709-1729): YFDEEMNRIL[Ala1719=]DPSDDTKGFF